The following is an entry in ClinVar:

NM_000512.5(GALNS):c.47T>G (p.Val16Gly)

Genes: GALNS (galactosamine (N-acetyl)-6-sulfatase; minus strand), TRAPPC2L (trafficking protein particle complex subunit 2L; plus strand), LOC130059762 (ATAC-STARR-seq lymphoblastoid silent region 7883; plus strand). Cytogenetic location: 16q24.3.
Variant type: single nucleotide variant.
Coding change: c.47T>G on transcript NM_000512.5 (MANE Select); coding-DNA position 47, T replaced by G.
Protein change: p.Val16Gly; replaces valine 16 with glycine.
Molecular consequence: missense variant. On other transcripts: 5 prime UTR variant (2).
Genome position (GRCh38, 1-based): chr16:88,856,831, A>C on the plus strand (T>G on the coding strand, the complement: GALNS is on the minus strand). VCF-style: chr16-88856831-A-C. GRCh37 (hg19) VCF-style: chr16-88923239-A-C.
Other names: c.-385T>G (NM_001323543.2); c.-106T>G (NM_001323544.2); short protein forms V16G.
Identifiers: ClinVar variation 1353265 (VCV001353265.8), dbSNP rs794729202, ClinGen allele CA397101999.
Genomic context (GRCh38, chr16:88,856,831, plus strand): 5'-AGGAGCAGGATGTTGGGGGGCTGCGGGGCGCCCGAGGCCCCCATCCCCGCGGCGCTGAGC[A>C]CCAGCAACAGCTGCCACCACCTCGTCGCCGCGACAACCGCCGCCATGGCAACCACGGGAG-3'
Protein context (NP_000503.1, residues 6-26): AATRWWQLLL[Val16Gly]LSAAGMGASG

ClinVar aggregate classification (germline): Uncertain significance (1 of 4 stars; one submission).

Conditions:
Mucopolysaccharidosis, MPS-IV-A (MPS4A). Also called: Morquio syndrome A, mild; MORQUIO SYNDROME A; GALACTOSAMINE-6-SULFATASE DEFICIENCY; GALNS DEFICIENCY; MORQUIO A DISEASE; MPS IVA. Identifiers: Orphanet 309297, Orphanet 582, MedGen C0086651, MONDO:0009659, OMIM 253000.

Allele frequency attached by ClinVar (database versions not stated): gnomAD 0.00002; TOPMed 0.00002.
gnomAD v4.1: 27 of 1,523,268 alleles (0.0018%); highest among the groups gnomAD compares: Non-Finnish European, 0.0022%; no homozygotes.

Submission:

Labcorp Genetics (formerly Invitae), Labcorp
Classification: Uncertain significance for Mucopolysaccharidosis, MPS-IV-A. Last evaluated: 2021-06-03. Review status: criteria provided, single submitter. Criteria: Invitae Variant Classification Sherloc (09022015). Collection method: clinical testing. Allele origin: germline.
Comment: In summary, the available evidence is currently insufficient to determine the role of this variant in disease. Therefore, it has been classified as a Variant of Uncertain Significance. Algorithms developed to predict the effect of missense changes on protein structure and function are either unavailable or do not agree on the potential impact of this missense change (SIFT: "Deleterious"; PolyPhen-2: "Benign"; Align-GVGD: "Class C0"). This variant has not been reported in the literature in individuals with GALNS-related conditions. The frequency data for this variant in the population databases is considered unreliable, as metrics indicate insufficient coverage at this position in the ExAC database. This sequence change replaces valine with glycine at codon 16 of the GALNS protein (p.Val16Gly). The valine residue is weakly conserved and there is a moderate physicochemical difference between valine and glycine.